The following is an entry in ClinVar:

NM_004525.3(LRP2):c.6963C>A (p.Asn2321Lys)

Gene: LRP2 (LDL receptor related protein 2; minus strand). Cytogenetic location: 2q31.1.
Variant type: single nucleotide variant.
Coding change: c.6963C>A on transcript NM_004525.3 (MANE Select); coding-DNA position 6963, C replaced by A.
Protein change: p.Asn2321Lys; replaces asparagine 2321 with lysine.
Molecular consequence: missense variant.
Genome position (GRCh38, 1-based): chr2:169,206,757, G>T on the plus strand (C>A on the coding strand, the complement: LRP2 is on the minus strand). VCF-style: chr2-169206757-G-T. GRCh37 (hg19) VCF-style: chr2-170063267-G-T.
Other names: short protein forms N2321K.
Identifiers: ClinVar variation 2142935 (VCV002142935.3), dbSNP rs1359108541, ClinGen allele CA349171858.
Genomic context (GRCh38, chr2:169,206,757, plus strand): 5'-GACCTCTGCTGGTGACCGGGGCTGGACTTGCTTGTCAAAGATGGTCACATCTCTTAGCCA[G>T]TTGATATTGTCTCTTATCACTGTGGGTGGCTCTGTGTTCTCTGGTTCCTTGCTGGCTTGG-3'
Protein context (NP_004516.2, residues 2311-2331): EPPTVIRDNI[Asn2321Lys]WLRDVTIFDK

ClinVar aggregate classification (germline): Uncertain significance (1 of 4 stars; one submission).

Allele frequency attached by ClinVar (database versions not stated): gnomAD exomes below 0.00001; TOPMed below 0.00001; gnomAD 0.00001.
gnomAD v4.1: 3 of 1,614,056 alleles (0.00019%); highest among the groups gnomAD compares: African/African-American, 0.0027%; no homozygotes.

Submission:

Labcorp Genetics (formerly Invitae), Labcorp
Classification: Uncertain significance. Last evaluated: 2024-10-15. Review status: criteria provided, single submitter. Criteria: Invitae Variant Classification Sherloc (09022015). Collection method: clinical testing. Allele origin: germline.
Comment: This sequence change replaces asparagine, which is neutral and polar, with lysine, which is basic and polar, at codon 2321 of the LRP2 protein (p.Asn2321Lys). This variant is present in population databases (no rsID available, gnomAD 0.01%). This variant has not been reported in the literature in individuals affected with LRP2-related conditions. ClinVar contains an entry for this variant (Variation ID: 2142935). Invitae Evidence Modeling of protein sequence and biophysical properties (such as structural, functional, and spatial information, amino acid conservation, physicochemical variation, residue mobility, and thermodynamic stability) indicates that this missense variant is not expected to disrupt LRP2 protein function with a negative predictive value of 95%. In summary, the available evidence is currently insufficient to determine the role of this variant in disease. Therefore, it has been classified as a Variant of Uncertain Significance.